The following is an entry in ClinVar:

NM_001042517.2(DIAPH3):c.-100_-97del

Gene: DIAPH3 (diaphanous related formin 3; minus strand). Cytogenetic location: 13q21.2.
Variant type: Deletion.
Coding change: c.-100_-97del on transcript NM_001042517.2 (MANE Select); 100 bases upstream of the start codon through 97 bases upstream of the start codon, 4 bases deleted (GCGG; older notation c.-100_-97delGCGG).
Molecular consequence: 5 prime UTR variant.
Genome position (GRCh38, 1-based): chr13:60,163,863-60,163,866, CCGC deleted on the plus strand (GCGG on the coding strand, the reverse complement: DIAPH3 is on the minus strand); deleting any 4 consecutive bases within chr13:60,163,863-60,163,867 gives the same sequence; the c. name uses the placement nearest the transcript's 3' end. VCF-style (leftmost placement, unchanged base first): chr13-60163862-TCCGC-T. GRCh37 (hg19) VCF-style: chr13-60737996-TCCGC-T.
Other names: c.-100_-97del (NM_001258366.2, NM_001258367.2, NM_001258368.2 and 1 more transcripts).
Identifiers: ClinVar variation 683133 (VCV000683133.1), dbSNP rs148097514, ClinGen allele CA250983415.

ClinVar aggregate classification (germline): Benign (1 of 4 stars; one submission).

Submission:

GeneDx
Classification: Benign. Last evaluated: 2018-06-16. Review status: criteria provided, single submitter. Criteria: GeneDx Variant Classification (06012015). Collection method: clinical testing. Allele origin: germline. Affected: yes.
Comment: This variant is considered likely benign or benign based on one or more of the following criteria: it is a conservative change, it occurs at a poorly conserved position in the protein, it is predicted to be benign by multiple in silico algorithms, and/or has population frequency not consistent with disease.